The following is an entry in ClinVar:

ClinVar aggregate classification (germline): Uncertain significance (1 of 4 stars; one submission).

Conditions:
Charcot-Marie-Tooth disease axonal type 2Z. Also called: CHARCOT-MARIE-TOOTH DISEASE, AXONAL, AUTOSOMAL DOMINANT, TYPE 2Z; CHARCOT-MARIE-TOOTH NEUROPATHY, TYPE 2Z. Identifiers: Orphanet 466768, MedGen C5569025, MONDO:0014736, OMIM 616688.

Allele frequency attached by ClinVar (database versions not stated): gnomAD 0.00002 and 0.00003; TOPMed 0.00002; gnomAD exomes 0.00003 and 0.00006; ExAC 0.00004; ESP Exome Variant Server 0.00008.
gnomAD v4.1: 44 of 1,614,024 alleles (0.0027%); highest among the groups gnomAD compares: Middle Eastern, 0.066%; 1 homozygote.

Submission:

Labcorp Genetics (formerly Invitae), Labcorp
Classification: Uncertain significance for Charcot-Marie-Tooth disease axonal type 2Z. Last evaluated: 2025-11-26. Review status: criteria provided, single submitter. Criteria: Invitae Variant Classification Sherloc (09022015). Collection method: clinical testing. Allele origin: germline.
Comment: This sequence change replaces serine, which is neutral and polar, with glycine, which is neutral and non-polar, at codon 80 of the MORC2 protein (p.Ser80Gly). This variant is present in population databases (rs376351739, gnomAD 0.03%). This variant has not been reported in the literature in individuals affected with MORC2-related conditions. ClinVar contains an entry for this variant (Variation ID: 1510572). Invitae Evidence Modeling of protein sequence and biophysical properties (such as structural, functional, and spatial information, amino acid conservation, physicochemical variation, residue mobility, and thermodynamic stability) has been performed for this missense variant. However, the output from this modeling did not meet the statistical confidence thresholds required to predict the impact of this variant on MORC2 protein function. In summary, the available evidence is currently insufficient to determine the role of this variant in disease. Therefore, it has been classified as a Variant of Uncertain Significance.

NM_001303256.3(MORC2):c.238A>G (p.Ser80Gly)

Gene: MORC2 (MORC family CW-type zinc finger 2; minus strand). Cytogenetic location: 22q12.2.
Variant type: single nucleotide variant.
Coding change: c.238A>G on transcript NM_001303256.3 (MANE Select); coding-DNA position 238, A replaced by G.
Protein change: p.Ser80Gly; replaces serine 80 with glycine.
Molecular consequence: missense variant.
Genome position (GRCh38, 1-based): chr22:30,949,831, T>C on the plus strand (A>G on the coding strand, the complement: MORC2 is on the minus strand). VCF-style: chr22-30949831-T-C. GRCh37 (hg19) VCF-style: chr22-31345817-T-C.
Other names: c.238A>G, p.Ser80Gly (NM_001303257.2); c.52A>G, p.Ser18Gly (NM_014941.3); short protein forms S80G, S18G.
Identifiers: ClinVar variation 1510572 (VCV001510572.6), dbSNP rs376351739, ClinGen allele CA10187302.
Genomic context (GRCh38, chr22:30,949,831, plus strand): 5'-ACTGCCCAATCTGAGTAGACTCAGGTGTTCGCTTGGCCGACTTCCCAAACTGGATCACAC[T>C]GGCAGCATCACCTGAAAGGGCAGACACAAGAGAAAGTGAAAAGTTTGCATTTCTTTCCCA-3'
Protein context (NP_001290185.1, residues 70-90): GAGMDPSDAA[Ser80Gly]VIQFGKSAKR